The following is an entry in ClinVar:

NM_013432.5(TONSL):c.3685G>A (p.Gly1229Ser)

Gene: TONSL (tonsoku like, DNA repair protein; minus strand). Cytogenetic location: 8q24.3.
Variant type: single nucleotide variant.
Coding change: c.3685G>A on transcript NM_013432.5 (MANE Select); coding-DNA position 3685, G replaced by A.
Protein change: p.Gly1229Ser; replaces glycine 1229 with serine.
Molecular consequence: missense variant.
Genome position (GRCh38, 1-based): chr8:144,432,335, C>T on the plus strand (G>A on the coding strand, the complement: TONSL is on the minus strand). VCF-style: chr8-144432335-C-T. GRCh37 (hg19) VCF-style: chr8-145657718-C-T.
Other names: short protein forms G1229S.
Identifiers: ClinVar variation 1362929 (VCV001362929.4), dbSNP rs782295121, ClinGen allele CA4942411.

ClinVar aggregate classification (germline): Uncertain significance (1 of 4 stars; one submission).

Allele frequency attached by ClinVar (database versions not stated): ExAC 0.00001; gnomAD 0.00001; gnomAD exomes 0.00001; TOPMed 0.00001.

Submission:

Labcorp Genetics (formerly Invitae), Labcorp
Classification: Uncertain significance. Last evaluated: 2024-10-15. Review status: criteria provided, single submitter. Criteria: Invitae Variant Classification Sherloc (09022015). Collection method: clinical testing. Allele origin: germline.
Comment: This sequence change replaces glycine, which is neutral and non-polar, with serine, which is neutral and polar, at codon 1229 of the TONSL protein (p.Gly1229Ser). This variant is present in population databases (rs782295121, gnomAD 0.007%). This variant has not been reported in the literature in individuals affected with TONSL-related conditions. ClinVar contains an entry for this variant (Variation ID: 1362929). Invitae Evidence Modeling of protein sequence and biophysical properties (such as structural, functional, and spatial information, amino acid conservation, physicochemical variation, residue mobility, and thermodynamic stability) indicates that this missense variant is not expected to disrupt TONSL protein function with a negative predictive value of 80%. In summary, the available evidence is currently insufficient to determine the role of this variant in disease. Therefore, it has been classified as a Variant of Uncertain Significance.